The following is an entry in ClinVar:

NM_001354483.2(CSGALNACT1):c.364G>A (p.Ala122Thr)

Gene: CSGALNACT1 (chondroitin sulfate N-acetylgalactosaminyltransferase 1; minus strand). Cytogenetic location: 8p21.3.
Variant type: single nucleotide variant.
Coding change: c.364G>A on transcript NM_001354483.2 (MANE Select); coding-DNA position 364, G replaced by A.
Protein change: p.Ala122Thr; replaces alanine 122 with threonine.
Molecular consequence: missense variant. On other transcripts: non-coding transcript variant (7).
Genome position (GRCh38, 1-based): chr8:19,505,471, C>T on the plus strand (G>A on the coding strand, the complement: CSGALNACT1 is on the minus strand). VCF-style: chr8-19505471-C-T. GRCh37 (hg19) VCF-style: chr8-19362982-C-T.
Other names: c.364G>A, p.Ala122Thr (NM_001354496.2, NM_001354497.2, NM_001354498.2 and 18 more transcripts); short protein forms A122T.
Identifiers: ClinVar variation 3652762 (VCV003652762.2).
Genomic context (GRCh38, chr8:19,505,471, plus strand): 5'-CTGTGGCCAGCTTGACGCCAGCATTCACCTCTGCCTTGTCCACCTGCGAGTGCAGGAAGG[C>T]CAGGAGGTCGGCCTGGGTTTTCTCTGGGGGGCTCCTGTCCAGACCCAGGCCAGCAGCATC-3'
Protein context (NP_001341412.1, residues 112-132): PPEKTQADLL[Ala122Thr]FLHSQVDKAE

ClinVar aggregate classification (germline): Uncertain significance (1 of 4 stars; one submission).

gnomAD v4.1: 1 of 1,614,168 alleles (0.000062%); highest among the groups gnomAD compares: Non-Finnish European, 0.000085%; no homozygotes.

Submission:

Labcorp Genetics (formerly Invitae), Labcorp
Classification: Uncertain significance. Last evaluated: 2024-05-26. Review status: criteria provided, single submitter. Criteria: Invitae Variant Classification Sherloc (09022015). Collection method: clinical testing. Allele origin: germline.
Comment: This sequence change replaces alanine, which is neutral and non-polar, with threonine, which is neutral and polar, at codon 122 of the CSGALNACT1 protein (p.Ala122Thr). This variant is not present in population databases (gnomAD no frequency). This variant has not been reported in the literature in individuals affected with CSGALNACT1-related conditions. Algorithms developed to predict the effect of missense changes on protein structure and function output the following: SIFT: "Not Available"; PolyPhen-2: "Benign"; Align-GVGD: "Not Available". The threonine amino acid residue is found in multiple mammalian species, which suggests that this missense change does not adversely affect protein function. In summary, the available evidence is currently insufficient to determine the role of this variant in disease. Therefore, it has been classified as a Variant of Uncertain Significance.